The following is an entry in ClinVar:

ClinVar aggregate classification (germline): Pathogenic (1 of 4 stars; one submission).

Conditions:
Nemaline myopathy 2 (NEM2). Also called: Nemaline myopathy 2, autosomal recessive. Identifiers: MedGen C1850569, MONDO:0009725, OMIM 256030.

Submission:

Labcorp Genetics (formerly Invitae), Labcorp
Classification: Pathogenic for Nemaline myopathy 2. Last evaluated: 2023-06-24. Review status: criteria provided, single submitter. Criteria: Invitae Variant Classification Sherloc (09022015). Collection method: clinical testing. Allele origin: germline.
Comment: This sequence change creates a premature translational stop signal (p.Tyr4568*) in the NEB gene. It is expected to result in an absent or disrupted protein product. Loss-of-function variants in NEB are known to be pathogenic (PMID: 25205138). For these reasons, this variant has been classified as Pathogenic. ClinVar contains an entry for this variant (Variation ID: 534017). This variant has not been reported in the literature in individuals affected with NEB-related conditions. The frequency data for this variant in the population databases (gnomAD) is considered unreliable due to the presence of homologous sequence, such as pseudogenes or paralogs, in the genome. This variant occurs in a region of NEB (Exons 82-105) consisting of three highly homologous 8-exon repeat units (exons 82-89, exons 90-97, exons 98-105). Sequence variants in this region can be detected, but this assay cannot determine which of the three repeat units is affected, and zygosity is often ambiguous. All variants in this region are reported relative to the exon 82-89 repeat.

Literature cited by the submitters: PubMed 25205138.

NM_001164508.2(NEB):c.13704T>A (p.Tyr4568Ter)

Gene: NEB (nebulin; minus strand). Cytogenetic location: 2q23.3.
Variant type: single nucleotide variant.
Coding change: c.13704T>A on transcript NM_001164508.2 (MANE Select); coding-DNA position 13704, T replaced by A.
Protein change: p.Tyr4568Ter; replaces tyrosine 4568 with a stop codon.
Molecular consequence: nonsense. On other transcripts: intron variant (1).
Genome position (GRCh38, 1-based): chr2:151,600,526, A>T on the plus strand (T>A on the coding strand, the complement: NEB is on the minus strand). VCF-style: chr2-151600526-A-T. GRCh37 (hg19) VCF-style: chr2-152457040-A-T.
Other names: c.13704T>A, p.Tyr4568Ter (NM_001164507.2, NM_001271208.2); c.11601+9283T>A (NM_004543.5); short protein forms Y4568*.
Identifiers: ClinVar variation 534017 (VCV000534017.8), dbSNP rs1553862274, ClinGen allele CA348768378.